The following is an entry in ClinVar:

ClinVar aggregate classification (germline): Uncertain significance (1 of 4 stars; one submission).

gnomAD v4.1: 1 of 1,614,176 alleles (0.000062%); highest among the groups gnomAD compares: Non-Finnish European, 0.000085%; no homozygotes.

Submission:

Ambry Genetics
Classification: Uncertain significance. Last evaluated: 2025-11-10. Review status: criteria provided, single submitter. Criteria: Ambry Variant Classification Scheme 2023. Collection method: clinical testing. Allele origin: germline.
Comment: The p.E249G variant (also known as c.746A>G), located in coding exon 4 of the GALNT12 gene, results from an A to G substitution at nucleotide position 746. The glutamic acid at codon 249 is replaced by glycine, an amino acid with similar properties. This amino acid position is conserved. In addition, this alteration is predicted to be tolerated by in silico analysis. Based on the available evidence, the clinical significance of this variant remains unclear.

NM_024642.5(GALNT12):c.746A>G (p.Glu249Gly)

Gene: GALNT12 (polypeptide N-acetylgalactosaminyltransferase 12; plus strand). Cytogenetic location: 9q22.33.
Variant type: single nucleotide variant.
Coding change: c.746A>G on transcript NM_024642.5 (MANE Select); coding-DNA position 746, A replaced by G.
Protein change: p.Glu249Gly; replaces glutamic acid 249 with glycine.
Molecular consequence: missense variant.
Genome position (GRCh38, 1-based): chr9:98,831,786, A>G. VCF-style: chr9-98831786-A-G. GRCh37 (hg19) VCF-style: chr9-101594068-A-G.
Other names: short protein forms E249G.
Identifiers: ClinVar variation 4670628 (VCV004670628.1).